The following is an entry in ClinVar:

ClinVar aggregate classification (germline): Uncertain significance (1 of 4 stars; one submission).

Allele frequency attached by ClinVar (database versions not stated): gnomAD exomes below 0.00001; TOPMed below 0.00001.
gnomAD v4.1: 3 of 1,558,898 alleles (0.00019%); highest among the groups gnomAD compares: Admixed American, 0.0018%; no homozygotes.

Submission:

GeneDx
Classification: Uncertain significance. Last evaluated: 2021-06-17. Review status: criteria provided, single submitter. Criteria: GeneDx Variant Classification Process June 2021. Collection method: clinical testing. Allele origin: germline. Affected: yes.
Comment: Not observed at significant frequency in large population cohorts (Lek et al., 2016); In silico analysis supports that this missense variant does not alter protein structure/function; Has not been previously published as pathogenic or benign to our knowledge; This variant is associated with the following publications: (PMID: 27535533)

NM_031475.3(ESPN):c.1496G>A (p.Arg499Gln)

Gene: ESPN (espin; plus strand). Cytogenetic location: 1p36.31.
Variant type: single nucleotide variant.
Coding change: c.1496G>A on transcript NM_031475.3 (MANE Select); coding-DNA position 1496, G replaced by A.
Protein change: p.Arg499Gln; replaces arginine 499 with glutamine.
Molecular consequence: missense variant.
Genome position (GRCh38, 1-based): chr1:6,448,672, G>A. VCF-style: chr1-6448672-G-A. GRCh37 (hg19) VCF-style: chr1-6508732-G-A.
Other names: c.1496G>A, p.Arg499Gln (NM_001367473.1, NM_001367474.1); short protein forms R499Q.
Identifiers: ClinVar variation 1328682 (VCV001328682.2), dbSNP rs1480151877, ClinGen allele CA338096320.
Genomic context (GRCh38, chr1:6,448,672, plus strand): 5'-GAGCCCCACCGGTCACTGTCTTCCCGCAGCTGAGCTCCTGTGACGGCCACGACGGGCTGC[G>A]GAGGCAGGACTCCAGCCGCAAGCCCCGCGCCTTCAGCAAGCAGCCCAGCACGGGGGACTA-3'
Protein context (NP_113663.2, residues 489-509): LSSCDGHDGL[Arg499Gln]RQDSSRKPRA